The following is an entry in ClinVar:

ClinVar aggregate classification (germline): Uncertain significance (1 of 4 stars; one submission).

Conditions:
Isolated microphthalmia 5. Also called: Posterior Microphthalmia with Retinitis Pigmentosa, Foveoschisis, and Optic Disc Drusen. Identifiers: Orphanet 251279, MedGen C1970236, MONDO:0012605, OMIM 611040.

gnomAD v4.1: 2 of 1,612,076 alleles (0.00012%); highest among the groups gnomAD compares: South Asian, 0.0022%; no homozygotes.

Submission:

Labcorp Genetics (formerly Invitae), Labcorp
Classification: Uncertain significance for Isolated microphthalmia 5. Last evaluated: 2020-11-21. Review status: criteria provided, single submitter. Criteria: Invitae Variant Classification Sherloc (09022015). Collection method: clinical testing. Allele origin: germline.
Comment: In summary, the available evidence is currently insufficient to determine the role of this variant in disease. Therefore, it has been classified as a Variant of Uncertain Significance. Nucleotide substitutions within the consensus splice site are a relatively common cause of aberrant splicing (PMID: 17576681, 9536098). Algorithms developed to predict the effect of sequence changes on RNA splicing suggest that this variant may disrupt the consensus splice site, but this prediction has not been confirmed by published transcriptional studies. This variant has not been reported in the literature in individuals with MFRP-related conditions. This variant is not present in population databases (ExAC no frequency). This sequence change falls in intron 8 of the MFRP gene. It does not directly change the encoded amino acid sequence of the MFRP protein. It affects a nucleotide within the consensus splice site of the intron.

Literature cited by the submitters: PubMed 17576681; PubMed 9536098.

NM_031433.4(MFRP):c.976-3C>G

Genes: C1QTNF5 (C1q and TNF related 5; minus strand), MFRP (membrane frizzled-related protein; minus strand). Cytogenetic location: 11q23.3.
Variant type: single nucleotide variant.
Coding change: c.976-3C>G on transcript NM_031433.4 (MANE Select); 3 bases into the intron before coding-DNA position 976, C replaced by G.
Molecular consequence: intron variant.
Genome position (GRCh38, 1-based): chr11:119,343,967, G>C on the plus strand (C>G on the coding strand, the complement: MFRP is on the minus strand). VCF-style: chr11-119343967-G-C. GRCh37 (hg19) VCF-style: chr11-119214677-G-C.
Other names: c.-1661-3C>G (NM_015645.5).
Identifiers: ClinVar variation 1487399 (VCV001487399.6), dbSNP rs2135370756, ClinGen allele CA2573146923.